The following is an entry in ClinVar:

NM_001042492.3(NF1):c.2072T>C (p.Leu691Pro)

Gene: NF1 (neurofibromin 1; plus strand). Cytogenetic location: 17q11.2.
Variant type: single nucleotide variant.
Coding change: c.2072T>C on transcript NM_001042492.3 (MANE Select); coding-DNA position 2072, T replaced by C.
Protein change: p.Leu691Pro; replaces leucine 691 with proline.
Molecular consequence: missense variant.
Genome position (GRCh38, 1-based): chr17:31,226,505, T>C. VCF-style: chr17-31226505-T-C. GRCh37 (hg19) VCF-style: chr17-29553523-T-C.
Other names: c.2072T>C, p.Leu691Pro (NM_000267.4); short protein forms L691P.
Identifiers: ClinVar variation 429016 (VCV000429016.16), dbSNP rs1131691132, ClinGen allele CA398982164.

ClinVar aggregate classification (germline): Pathogenic/Likely pathogenic. Review status: criteria provided, multiple submitters, no conflicts (2 of 4 stars). 5 submissions from 5 submitters: Pathogenic (2); Likely pathogenic (3). Last evaluated 2025-06-22.

Conditions:
Hereditary cancer-predisposing syndrome. Also called: Hereditary neoplastic syndrome; Tumor predisposition; Neoplastic Syndromes, Hereditary; Hereditary Cancer Syndrome. Identifiers: Orphanet 140162, MedGen C0027672, MeSH D009386, MONDO:0015356.
Cardiovascular phenotype. Identifiers: MedGen CN230736.
Neurofibromatosis, type 1 (NF1). Also called: Neurofibromatosis, type I; NEUROFIBROMATOSIS, TYPE I, SOMATIC; Peripheral type neurofibromatosis; VON RECKLINGHAUSEN DISEASE. Identifiers: Orphanet 636, MedGen C0027831, MONDO:0018975, OMIM 162200. Disease mechanism: loss of function.

Submissions (5):

Labcorp Genetics (formerly Invitae), Labcorp
Classification: Pathogenic for Neurofibromatosis, type 1. Last evaluated: 2025-06-22. Review status: criteria provided, single submitter. Criteria: Invitae Variant Classification Sherloc (09022015). Collection method: clinical testing. Allele origin: germline.
Comment: This sequence change replaces leucine, which is neutral and non-polar, with proline, which is neutral and non-polar, at codon 691 of the NF1 protein (p.Leu691Pro). This variant is not present in population databases (gnomAD no frequency). This missense change has been observed in individual(s) with neurofibromatosis type 1 and/or NF1-related conditions (PMID: 31776437; internal data). Invitae Evidence Modeling of clinical and family history, age, sex, and reported ancestry of multiple individuals with this NF1 variant has been performed. This variant is expected to be pathogenic with a positive predictive value of at least 99%. This is a validated machine learning model that incorporates the clinical features of 1,785,918 individuals referred to our laboratory for NF1 testing. ClinVar contains an entry for this variant (Variation ID: 429016). Invitae Evidence Modeling of protein sequence and biophysical properties (such as structural, functional, and spatial information, amino acid conservation, physicochemical variation, residue mobility, and thermodynamic stability) indicates that this missense variant is expected to disrupt NF1 protein function with a positive predictive value of 95%. For these reasons, this variant has been classified as Pathogenic.

Institute of Medical Genetics and Applied Genomics, University Hospital Tübingen
Classification: Likely pathogenic for Neurofibromatosis, type 1. Last evaluated: 2024-08-26. Review status: criteria provided, single submitter. Criteria: ACMG Guidelines, 2015. Collection method: clinical testing. Allele origin: germline. Inheritance: Autosomal dominant inheritance. Affected: yes.

Ambry Genetics
Classification: Pathogenic for Cardiovascular phenotype; Hereditary cancer-predisposing syndrome. Last evaluated: 2024-08-09. Review status: criteria provided, single submitter. Criteria: Ambry Variant Classification Scheme 2023. Collection method: clinical testing. Allele origin: germline.
Comment: The p.L691P variant (also known as c.2072T>C), located in coding exon 18 of the NF1 gene, results from a T to C substitution at nucleotide position 2072. The leucine at codon 691 is replaced by proline, an amino acid with similar properties. This alteration was identified in a cohort of 427 Korean patients with a confirmed or suspected clinical diagnosis of neurofibromatosis type 1 (Kang E et al. J Hum Genet, 2020 Jan;65:79-89). This alteration has been observed in multiple individuals with features of NF1-related disease (Ambry internal data). This amino acid position is highly conserved in available vertebrate species. In addition, this alteration is predicted to be deleterious by in silico analysis. This variant is considered to be rare based on population cohorts in the Genome Aggregation Database (gnomAD). Based on the supporting evidence, this variant is interpreted as a disease-causing mutation.

GeneDx
Classification: Likely pathogenic. Last evaluated: 2023-01-04. Review status: criteria provided, single submitter. Criteria: GeneDx Variant Classification Process June 2021. Collection method: clinical testing. Allele origin: germline. Affected: yes.
Comment: Not observed at significant frequency in large population cohorts (gnomAD); In silico analysis supports that this missense variant has a deleterious effect on protein structure/function; This variant is associated with the following publications: (PMID: 23913538, 31776437, Kam and Yac-Kpeli[article], 25486365)

Juno Genomics, Hangzhou Juno Genomics, Inc
Classification: Likely pathogenic for Neurofibromatosis, type 1. Review status: criteria provided, single submitter. Criteria: ACMG Guidelines, 2015. Collection method: clinical testing. Allele origin: germline. Affected: yes.
Comment: Absent from controls (or at extremely low frequency if recessive) in Genome Aggregation Database, Exome Sequencing Project, 1000 Genomes Project, or Exome Aggregation Consortium.;Novel missense change at an amino acid residue where a different missense change determined to be pathogenic has been seen before.;Multiple lines of computational evidence support a deleterious effect on the gene or gene product (conservation, evolutionary, splicing impact, etc).;Missense variant in a gene that has a low rate of benign missense variation and where missense variants are a common mechanism of disease.;The prevalence of the variant in affected individuals is significantly increased compared to the prevalence in controls.;Patient's phenotype or family history is highly specific for a disease with a single genetic etiology.

Literature cited by the submitters: PubMed 31776437 (cited by Labcorp Genetics (formerly Invitae), Labcorp and Ambry Genetics); PubMed 23913538 (cited by Ambry Genetics); PubMed 24676943 (cited by Ambry Genetics).